The following is an entry in ClinVar:

NM_001805.4(CEBPE):c.-7del

Gene: CEBPE (CCAAT enhancer binding protein epsilon; minus strand). Cytogenetic location: 14q11.2.
Variant type: Deletion.
Coding change: c.-7del on transcript NM_001805.4 (MANE Select); 7 bases upstream of the start codon, one base deleted (G; older notation c.-7delG).
Molecular consequence: 5 prime UTR variant.
Genome position (GRCh38, 1-based): chr14:23,119,098, C deleted on the plus strand (G on the coding strand, the reverse complement: CEBPE is on the minus strand); the first of 3 consecutive C bases (chr14:23,119,098-23,119,100); deleting any one gives the same sequence. VCF-style (leftmost placement, unchanged base first): chr14-23119097-GC-G. GRCh37 (hg19) VCF-style: chr14-23588306-GC-G.
Other names: p.?.
Identifiers: ClinVar variation 4683843 (VCV004683843.1).
Genomic context (GRCh38, chr14:23,119,097, plus strand): 5'-CGAGTGGCTGCTGGCCACCCCGGGGCTCACACTCGTAGTAGGTCCCGTGGGACATGGCCG[GC>G]CCGCCCCCTCGGCTCCCCGCCCCCACCTGCTCTTGAGGCACCCCTTGGGGTGCTCCGGCT-3'

ClinVar aggregate classification (germline): Likely benign (1 of 4 stars; one submission).

Submission:

Mayo Clinic Laboratories, Mayo Clinic
Classification: Likely benign. Last evaluated: 2025-07-01. Review status: criteria provided, single submitter. Criteria: ACMG Guidelines, 2015. Collection method: clinical testing. Allele origin: germline. Observed: 1 variant allele.
Comment: BP4, BP7, PM2_supporting